The following is an entry in ClinVar:

NM_001004334.4(GPR179):c.1865C>T (p.Thr622Met)

Gene: GPR179 (G protein-coupled receptor 179; minus strand). Cytogenetic location: 17q12.
Variant type: single nucleotide variant.
Coding change: c.1865C>T on transcript NM_001004334.4 (MANE Select); coding-DNA position 1865, C replaced by T.
Protein change: p.Thr622Met; replaces threonine 622 with methionine.
Molecular consequence: missense variant.
Genome position (GRCh38, 1-based): chr17:38,333,958, G>A on the plus strand (C>T on the coding strand, the complement: GPR179 is on the minus strand). VCF-style: chr17-38333958-G-A. GRCh37 (hg19) VCF-style: chr17-36489841-G-A.
Other names: c.1865C>T (NM_001004334.2); short protein forms T622M.
Identifiers: ClinVar variation 1914079 (VCV001914079.7), dbSNP rs1349762430, ClinGen allele CA398885755.

ClinVar aggregate classification (germline): Uncertain significance. Review status: criteria provided, multiple submitters, no conflicts (2 of 4 stars). 3 submissions from 3 submitters: Uncertain significance (3). Last evaluated 2025-04-09.

Conditions:
Inborn genetic diseases. Identifiers: MedGen C0950123, MeSH D030342.
Congenital stationary night blindness 1E. Also called: Night blindness, congenital stationary (complete), 1E, autosomal recessive. Identifiers: Orphanet 215, MedGen C3281215, MONDO:0013807, OMIM 614565.

Allele frequency attached by ClinVar (database versions not stated): gnomAD 0.00001; TOPMed 0.00001.
gnomAD v4.1: 5 of 1,613,550 alleles (0.00031%); highest among the groups gnomAD compares: African/African-American, 0.0027%; no homozygotes.

Submissions (3):

3billion
Classification: Uncertain significance for Congenital stationary night blindness 1E. Last evaluated: 2025-04-09. Review status: criteria provided, single submitter. Criteria: ACMG Guidelines, 2015. Collection method: clinical testing. Allele origin: germline. Affected: yes.

Labcorp Genetics (formerly Invitae), Labcorp
Classification: Uncertain significance. Last evaluated: 2025-04-09. Review status: criteria provided, single submitter. Criteria: Invitae Variant Classification Sherloc (09022015). Collection method: clinical testing. Allele origin: germline.
Comment: This sequence change replaces threonine, which is neutral and polar, with methionine, which is neutral and non-polar, at codon 622 of the GPR179 protein (p.Thr622Met). This variant is not present in population databases (gnomAD no frequency). This variant has not been reported in the literature in individuals affected with GPR179-related conditions. ClinVar contains an entry for this variant (Variation ID: 1914079). An algorithm developed to predict the effect of missense changes on protein structure and function (PolyPhen-2) suggests that this variant is likely to be disruptive. In summary, the available evidence is currently insufficient to determine the role of this variant in disease. Therefore, it has been classified as a Variant of Uncertain Significance.

Ambry Genetics
Classification: Uncertain significance for Inborn genetic diseases. Last evaluated: 2024-11-20. Review status: criteria provided, single submitter. Criteria: Ambry Variant Classification Scheme 2023. Collection method: clinical testing. Allele origin: germline.